The following is an entry in ClinVar:

ClinVar aggregate classification (germline): Uncertain significance (1 of 4 stars; one submission).

Allele frequency attached by ClinVar (database versions not stated): gnomAD exomes below 0.00001; gnomAD 0.00001; ExAC 0.00002; TOPMed 0.00002.

Submission:

Labcorp Genetics (formerly Invitae), Labcorp
Classification: Uncertain significance. Last evaluated: 2022-01-02. Review status: criteria provided, single submitter. Criteria: Invitae Variant Classification Sherloc (09022015). Collection method: clinical testing. Allele origin: germline.
Comment: In summary, the available evidence is currently insufficient to determine the role of this variant in disease. Therefore, it has been classified as a Variant of Uncertain Significance. Algorithms developed to predict the effect of missense changes on protein structure and function output the following: SIFT: "Tolerated"; PolyPhen-2: "Benign"; Align-GVGD: "Class C0". The serine amino acid residue is found in multiple mammalian species, which suggests that this missense change does not adversely affect protein function. This variant has not been reported in the literature in individuals affected with MAPKBP1-related conditions. This variant is present in population databases (rs770295928, gnomAD 0.006%). This sequence change replaces proline, which is neutral and non-polar, with serine, which is neutral and polar, at codon 1353 of the MAPKBP1 protein (p.Pro1353Ser).

NM_014994.3(MAPKBP1):c.4039C>T (p.Pro1347Ser)

Gene: MAPKBP1 (mitogen-activated protein kinase binding protein 1; plus strand). Cytogenetic location: 15q15.1.
Variant type: single nucleotide variant.
Coding change: c.4039C>T on transcript NM_014994.3 (MANE Select); coding-DNA position 4039, C replaced by T.
Protein change: p.Pro1347Ser; replaces proline 1347 with serine.
Molecular consequence: missense variant. On other transcripts: non-coding transcript variant (2), intron variant (1).
Genome position (GRCh38, 1-based): chr15:41,823,887, C>T. VCF-style: chr15-41823887-C-T. GRCh37 (hg19) VCF-style: chr15-42116085-C-T.
Other names: c.4057C>T, p.Pro1353Ser (NM_001128608.2); c.3383-597C>T (NM_001265611.2); short protein forms P1353S, P1347S.
Identifiers: ClinVar variation 2082679 (VCV002082679.4), dbSNP rs770295928, ClinGen allele CA7498720.